The following is an entry in ClinVar:

NM_000540.3(RYR1):c.4893G>A (p.Glu1631=)

Gene: RYR1 (ryanodine receptor 1; plus strand). Cytogenetic location: 19q13.2.
Variant type: single nucleotide variant.
Coding change: c.4893G>A on transcript NM_000540.3 (MANE Select); coding-DNA position 4893, G replaced by A.
Protein change: p.Glu1631=; no amino-acid change (glutamic acid 1631 retained).
Molecular consequence: synonymous variant.
Genome position (GRCh38, 1-based): chr19:38,483,475, G>A. VCF-style: chr19-38483475-G-A. GRCh37 (hg19) VCF-style: chr19-38974115-G-A.
Other names: c.4893G>A, p.Glu1631= (NM_001042723.2).
Identifiers: ClinVar variation 3070300 (VCV003070300.1), dbSNP rs1319252372, ClinGen allele CA507353286.
Genomic context (GRCh38, chr19:38,483,475, plus strand): 5'-CCTGCAGGTGGAGACGAGGCGTGCCGGCGAGCGGCTGGGCTGGGCCGTGCAGTGCCAGGA[G>A]CCGCTGACCATGATGGCGCTGCACATCCCCGAGGAGAACCGGTCAGGGCCAGCCCAGCTA-3'
Protein context (NP_000531.2, residues 1621-1641): ERLGWAVQCQ[Glu1631=]PLTMMALHIP

ClinVar aggregate classification (germline): Likely benign (1 of 4 stars; one submission).

Conditions:
Malignant hyperthermia, susceptibility to, 1 (MHS1). Also called: RYR1-Related Malignant Hyperthermia Susceptibility; Anesthesia related hyperthermia; Malignant hyperpyrexia; Fulminating hyperpyrexia; Pharmacogenic myopathy; Malignant hyperthermia suceptibility 1. Identifiers: Orphanet 423, MedGen C2930980, MONDO:0007783, OMIM 145600.

Allele frequency attached by ClinVar (database versions not stated): gnomAD exomes below 0.00001.
gnomAD v4.1: 1 of 1,563,186 alleles (0.000064%); highest among the groups gnomAD compares: Non-Finnish European, 0.000086%; no homozygotes.

Submission:

All of Us Research Program, National Institutes of Health
Classification: Likely benign for Malignant hyperthermia, susceptibility to, 1. Last evaluated: 2023-04-03. Review status: criteria provided, single submitter. Criteria: ACMG Guidelines, 2015. Collection method: clinical testing. Allele origin: germline. Inheritance: Autosomal dominant inheritance. Observed: 1 variant allele, 1 heterozygote.
Comment: This study involves interpretation of variants in research participants for the purpose of population health screening. Participant phenotype was not available at the time of variant classification. Additional details can be found in publication PMID: 35346344, PMCID: PMC8962531